The following is an entry in ClinVar:

ClinVar aggregate classification (germline): Uncertain significance (1 of 4 stars; one submission).

Submission:

Labcorp Genetics (formerly Invitae), Labcorp
Classification: Uncertain significance. Last evaluated: 2023-08-08. Review status: criteria provided, single submitter. Criteria: Invitae Variant Classification Sherloc (09022015). Collection method: clinical testing. Allele origin: germline.
Comment: This sequence change replaces methionine, which is neutral and non-polar, with leucine, which is neutral and non-polar, at codon 1226 of the IGF1R protein (p.Met1226Leu). This variant is not present in population databases (gnomAD no frequency). This variant has not been reported in the literature in individuals affected with IGF1R-related conditions. Advanced modeling of protein sequence and biophysical properties (such as structural, functional, and spatial information, amino acid conservation, physicochemical variation, residue mobility, and thermodynamic stability) performed at Invitae indicates that this missense variant is not expected to disrupt IGF1R protein function. In summary, the available evidence is currently insufficient to determine the role of this variant in disease. Therefore, it has been classified as a Variant of Uncertain Significance.

NM_000875.5(IGF1R):c.3676A>C (p.Met1226Leu)

Gene: IGF1R (insulin like growth factor 1 receptor; plus strand). Cytogenetic location: 15q26.3.
Variant type: single nucleotide variant.
Coding change: c.3676A>C on transcript NM_000875.5 (MANE Select); coding-DNA position 3676, A replaced by C.
Protein change: p.Met1226Leu; replaces methionine 1226 with leucine.
Molecular consequence: missense variant.
Genome position (GRCh38, 1-based): chr15:98,948,662, A>C. VCF-style: chr15-98948662-A-C. GRCh37 (hg19) VCF-style: chr15-99491891-A-C.
Other names: c.3673A>C, p.Met1225Leu (NM_001291858.2); short protein forms M1226L, M1225L.
Identifiers: ClinVar variation 2751229 (VCV002751229.3), dbSNP rs1231717278, ClinGen allele CA393663464.